The following is an entry in ClinVar:

NM_001042492.3(NF1):c.5030T>C (p.Val1677Ala)

Gene: NF1 (neurofibromin 1; plus strand). Cytogenetic location: 17q11.2.
Variant type: single nucleotide variant.
Coding change: c.5030T>C on transcript NM_001042492.3 (MANE Select); coding-DNA position 5030, T replaced by C.
Protein change: p.Val1677Ala; replaces valine 1677 with alanine.
Molecular consequence: missense variant.
Genome position (GRCh38, 1-based): chr17:31,326,014, T>C. VCF-style: chr17-31326014-T-C. GRCh37 (hg19) VCF-style: chr17-29653032-T-C.
Other names: c.4967T>C, p.Val1656Ala (NM_000267.4); short protein forms V1656A, V1677A.
Identifiers: ClinVar variation 966492 (VCV000966492.7), dbSNP rs1060500384, ClinGen allele CA399007353.

ClinVar aggregate classification (germline): Uncertain significance. Review status: criteria provided, multiple submitters, no conflicts (2 of 4 stars). 2 submissions from 2 submitters: Uncertain significance (2). Last evaluated 2025-08-10.

Conditions:
Cardiovascular phenotype. Identifiers: MedGen CN230736.
Hereditary cancer-predisposing syndrome. Also called: Hereditary neoplastic syndrome; Hereditary Cancer Syndrome; Tumor predisposition; Neoplastic Syndromes, Hereditary. Identifiers: Orphanet 140162, MedGen C0027672, MeSH D009386, MONDO:0015356.
Neurofibromatosis, type 1 (NF1). Also called: Neurofibromatosis, type I; Peripheral type neurofibromatosis; VON RECKLINGHAUSEN DISEASE; NEUROFIBROMATOSIS, TYPE I, SOMATIC. Identifiers: Orphanet 636, MedGen C0027831, MONDO:0018975, OMIM 162200. Disease mechanism: loss of function.

Submissions (2):

Ambry Genetics
Classification: Uncertain significance for Cardiovascular phenotype; Hereditary cancer-predisposing syndrome. Last evaluated: 2025-08-10. Review status: criteria provided, single submitter. Criteria: Ambry Variant Classification Scheme 2023. Collection method: clinical testing. Allele origin: germline.
Comment: The p.V1656A variant (also known as c.4967T>C), located in coding exon 36 of the NF1 gene, results from a T to C substitution at nucleotide position 4967. The valine at codon 1656 is replaced by alanine, an amino acid with similar properties. This amino acid position is conserved. In addition, this alteration is predicted to be deleterious by in silico analysis. Based on the available evidence, the clinical significance of this variant remains unclear.

Labcorp Genetics (formerly Invitae), Labcorp
Classification: Uncertain significance for Neurofibromatosis, type 1. Last evaluated: 2019-10-30. Review status: criteria provided, single submitter. Criteria: Invitae Variant Classification Sherloc (09022015). Collection method: clinical testing. Allele origin: germline.
Comment: Algorithms developed to predict the effect of missense changes on protein structure and function (SIFT, PolyPhen-2, Align-GVGD) all suggest that this variant is likely to be tolerated, but these predictions have not been confirmed by published functional studies and their clinical significance is uncertain. In summary, the available evidence is currently insufficient to determine the role of this variant in disease. Therefore, it has been classified as a Variant of Uncertain Significance. This variant has not been reported in the literature in individuals with NF1-related conditions. This variant is not present in population databases (ExAC no frequency). This sequence change replaces valine with alanine at codon 1656 of the NF1 protein (p.Val1656Ala). The valine residue is moderately conserved and there is a small physicochemical difference between valine and alanine.